The following is an entry in ClinVar:

NM_000439.5(PCSK1):c.1053G>A (p.Leu351=)

Genes: CAST (calpastatin; plus strand), PCSK1 (proprotein convertase subtilisin/kexin type 1; minus strand), LOC101929710 (uncharacterized LOC101929710; plus strand). Cytogenetic location: 5q15.
Variant type: single nucleotide variant.
Coding change: c.1053G>A on transcript NM_000439.5 (MANE Select); coding-DNA position 1053, G replaced by A.
Protein change: p.Leu351=; no amino-acid change (leucine 351 retained).
Molecular consequence: synonymous variant. On other transcripts: intron variant (11).
Genome position (GRCh38, 1-based): chr5:96,410,816, C>T on the plus strand (G>A on the coding strand, the complement: PCSK1 is on the minus strand). VCF-style: chr5-96410816-C-T. GRCh37 (hg19) VCF-style: chr5-95746520-C-T.
Other names: c.912G>A, p.Leu304= (NM_001177875.2); c.-175+31164C>T (NM_001423254.1, NM_001423259.1, NM_001423255.1 and 6 more transcripts); c.-103+31164C>T (NM_001423253.1); c.-40+31164C>T (NM_001423258.1).
Identifiers: ClinVar variation 3357111 (VCV003357111.1).

ClinVar aggregate classification (germline): Likely benign (0 of 4 stars; one submission).

Conditions:
PCSK1-related disorder. Also called: PCSK1-related condition.

Submission:

PreventionGenetics, part of Exact Sciences
Classification: Likely benign for PCSK1-related condition. Last evaluated: 2021-06-14. Review status: no assertion criteria provided. Collection method: clinical testing. Allele origin: germline.
Comment: This variant is classified as likely benign based on ACMG/AMP sequence variant interpretation guidelines (Richards et al. 2015 PMID: 25741868, with internal and published modifications).